The following is an entry in ClinVar:

NM_004423.4(DVL3):c.1528G>T (p.Asp510Tyr)

Gene: DVL3 (dishevelled segment polarity protein 3; plus strand). Cytogenetic location: 3q27.1.
Variant type: single nucleotide variant.
Coding change: c.1528G>T on transcript NM_004423.4 (MANE Select); coding-DNA position 1528, G replaced by T.
Protein change: p.Asp510Tyr; replaces aspartic acid 510 with tyrosine.
Molecular consequence: missense variant.
Genome position (GRCh38, 1-based): chr3:184,170,035, G>T. VCF-style: chr3-184170035-G-T. GRCh37 (hg19) VCF-style: chr3-183887823-G-T.
Other names: short protein forms D510Y.
Identifiers: ClinVar variation 2629551 (VCV002629551.1), dbSNP rs1303853739, ClinGen allele CA355414539.

ClinVar aggregate classification (germline): Uncertain significance (1 of 4 stars; one submission).

Conditions:
DVL3-related disorder. Also called: DVL3-related condition.

gnomAD v4.1: 2 of 1,611,316 alleles (0.00012%); highest among the groups gnomAD compares: Non-Finnish European, 0.00017%; no homozygotes.

Submission:

PreventionGenetics, part of Exact Sciences
Classification: Uncertain significance for DVL3-related condition. Last evaluated: 2022-08-21. Review status: criteria provided, single submitter. Criteria: ACMG Guidelines, 2015. Collection method: clinical testing. Allele origin: germline.
Comment: The DVL3 c.1528G>T variant is predicted to result in the amino acid substitution p.Asp510Tyr. To our knowledge, this variant has not been reported in the literature or in a large population database, indicating this variant is rare. At this time, the clinical significance of this variant is uncertain due to the absence of conclusive functional and genetic evidence.